The following is an entry in ClinVar:

ClinVar aggregate classification (germline): Uncertain significance. Review status: criteria provided, multiple submitters, no conflicts (2 of 4 stars). 3 submissions from 3 submitters: Uncertain significance (2). 1 of the submissions does not count toward it. Last evaluated 2024-01-30.

Conditions:
Retinal dystrophy. Also called: Inherited retinal dystrophy. Identifiers: Orphanet 71862, MedGen C0854723, MeSH D058499, MONDO:0019118, HP:0000556.

Allele frequency attached by ClinVar (database versions not stated): gnomAD exomes below 0.00001; TOPMed below 0.00001.

Submissions (3):

Blueprint Genetics
Classification: Uncertain significance. Last evaluated: 2024-01-30. Review status: criteria provided, single submitter. Criteria: ACMG Guidelines, 2015. Collection method: clinical testing. Allele origin: germline.

Labcorp Genetics (formerly Invitae), Labcorp
Classification: Uncertain significance. Last evaluated: 2020-11-04. Review status: criteria provided, single submitter. Criteria: Invitae Variant Classification Sherloc (09022015). Collection method: clinical testing. Allele origin: germline.
Comment: Algorithms developed to predict the effect of missense changes on protein structure and function are either unavailable or do not agree on the potential impact of this missense change (SIFT: "Deleterious"; PolyPhen-2: "Possibly Damaging"; Align-GVGD: "Class C0"). This variant has not been reported in the literature in individuals with SNRNP200-related conditions. This variant is not present in population databases (ExAC no frequency). This sequence change replaces asparagine with serine at codon 1060 of the SNRNP200 protein (p.Asn1060Ser). The asparagine residue is highly conserved and there is a small physicochemical difference between asparagine and serine. Algorithms developed to predict the effect of sequence changes on RNA splicing suggest that this variant may create or strengthen a splice site, but this prediction has not been confirmed by published transcriptional studies. In summary, the available evidence is currently insufficient to determine the role of this variant in disease. Therefore, it has been classified as a Variant of Uncertain Significance.

Institute of Human Genetics, Univ. Regensburg, Univ. Regensburg
Classification: Uncertain significance for Retinal dystrophy. Last evaluated: 2017-01-01. Review status: no assertion criteria provided. Criteria: ACMG Guidelines, 2015. Collection method: clinical testing. Allele origin: germline. Affected: yes. Not counted in ClinVar's aggregate classification.

NM_014014.5(SNRNP200):c.3179A>G (p.Asn1060Ser)

Gene: SNRNP200 (small nuclear ribonucleoprotein U5 subunit 200; minus strand). Cytogenetic location: 2q11.2.
Variant type: single nucleotide variant.
Coding change: c.3179A>G on transcript NM_014014.5 (MANE Select); coding-DNA position 3179, A replaced by G.
Protein change: p.Asn1060Ser; replaces asparagine 1060 with serine.
Molecular consequence: missense variant.
Genome position (GRCh38, 1-based): chr2:96,288,742, T>C on the plus strand (A>G on the coding strand, the complement: SNRNP200 is on the minus strand). VCF-style: chr2-96288742-T-C. GRCh37 (hg19) VCF-style: chr2-96954480-T-C.
Other names: short protein forms N1060S.
Identifiers: ClinVar variation 1481598 (VCV001481598.10), dbSNP rs1356922568, ClinGen allele CA347673646.